The following is an entry in ClinVar:

ClinVar aggregate classification (germline): Likely benign (0 of 4 stars; one submission).

Conditions:
APC-related disorder. Also called: APC-related condition.

Allele frequency attached by ClinVar (database versions not stated): TOPMed 0.00001.

Submission:

PreventionGenetics, part of Exact Sciences
Classification: Likely benign for APC-related condition. Last evaluated: 2020-08-25. Review status: no assertion criteria provided. Collection method: clinical testing. Allele origin: germline.
Comment: This variant is classified as likely benign based on ACMG/AMP sequence variant interpretation guidelines (Richards et al. 2015 PMID: 25741868, with internal and published modifications).

NM_001127511.3(APC):c.166-28721T>C

Gene: APC (APC regulator of Wnt signaling pathway; plus strand). Cytogenetic location: 5q22.2.
Variant type: single nucleotide variant.
Coding change: c.166-28721T>C on transcript NM_001127511.3; 28721 bases into the intron before coding-DNA position 166, T replaced by C.
Molecular consequence: intron variant.
Genome position (GRCh38, 1-based): chr5:112,737,605, T>C. VCF-style: chr5-112737605-T-C. GRCh37 (hg19) VCF-style: chr5-112073302-T-C.
Other names: c.-18-17268T>C (NM_001407448.1, NM_001407450.1, NM_001407457.1 and 7 more transcripts); c.-42-28721T>C (NM_001407453.1); c.166-28721T>C (NM_001407446.1, NM_001354897.2, NM_001354902.2); c.-1053-17268T>C (NM_001407470.1, NM_001407472.1).
Identifiers: ClinVar variation 3032153 (VCV003032153.2), dbSNP rs1261358585, ClinGen allele CA802028731.
Genomic context (GRCh38, chr5:112,737,605, plus strand): 5'-CCACCTCCGGCATCTTGTGCTAATCCTTCTGCCCTGCGGACCTCCCCCGACTCTTTACTA[T>C]GCGTGTCAACTGCCATCAACTTCCTTGCTTGCTGGGGACTGGGGCCGCGAGGGCATACCC-3'